The following is an entry in ClinVar:

NM_152274.5(CCNQ):c.502G>A (p.Val168Ile)

Gene: CCNQ (cyclin Q; minus strand). Cytogenetic location: Xq28.
Variant type: single nucleotide variant.
Coding change: c.502G>A on transcript NM_152274.5 (MANE Select); coding-DNA position 502, G replaced by A.
Protein change: p.Val168Ile; replaces valine 168 with isoleucine.
Molecular consequence: missense variant.
Genome position (GRCh38, 1-based): chrX:153,592,661, C>T on the plus strand (G>A on the coding strand, the complement: CCNQ is on the minus strand). VCF-style: chrX-153592661-C-T. GRCh37 (hg19) VCF-style: chrX-152858119-C-T.
Other names: c.502G>A, p.Val168Ile (NM_001130997.3); short protein forms V168I.
Identifiers: ClinVar variation 1950103 (VCV001950103.5), dbSNP rs370810560, ClinGen allele CA10548397.

ClinVar aggregate classification (germline): Uncertain significance (1 of 4 stars; one submission).

Allele frequency attached by ClinVar (database versions not stated): ESP Exome Variant Server 0.00009.
gnomAD v4.1: 60 of 1,210,332 alleles (0.005%); highest among the groups gnomAD compares: Non-Finnish European, 0.0063%; no homozygotes.

Submission:

Labcorp Genetics (formerly Invitae), Labcorp
Classification: Uncertain significance. Last evaluated: 2022-07-06. Review status: criteria provided, single submitter. Criteria: Invitae Variant Classification Sherloc (09022015). Collection method: clinical testing. Allele origin: germline.
Comment: In summary, the available evidence is currently insufficient to determine the role of this variant in disease. Therefore, it has been classified as a Variant of Uncertain Significance. Experimental studies and prediction algorithms are not available or were not evaluated, and the functional significance of this variant is currently unknown. This variant has not been reported in the literature in individuals affected with CCNQ-related conditions. This variant is present in population databases (rs370810560, gnomAD 0.008%), including at least one homozygous and/or hemizygous individual. This sequence change replaces valine, which is neutral and non-polar, with isoleucine, which is neutral and non-polar, at codon 168 of the CCNQ protein (p.Val168Ile).